The following is an entry in ClinVar:

NM_001372.4(DNAH9):c.9862dup (p.Ala3288fs)

Gene: DNAH9 (dynein axonemal heavy chain 9; plus strand). Cytogenetic location: 17p12.
Variant type: Duplication.
Coding change: c.9862dup on transcript NM_001372.4 (MANE Select); coding-DNA position 9862, one base duplicated (G; older notation c.9862dupG).
Protein change: p.Ala3288fs; shifts the reading frame from alanine 3288.
Molecular consequence: frameshift variant.
Genome position (GRCh38, 1-based): chr17:11,854,357, G duplicated; the last of 2 consecutive G bases (chr17:11,854,356-11,854,357); duplicating either gives the same sequence. VCF-style (leftmost placement, unchanged base first): chr17-11854355-A-AG. GRCh37 (hg19) VCF-style: chr17-11757672-A-AG.
Other names: short protein forms A3288fs.
Identifiers: ClinVar variation 2034521 (VCV002034521.4), dbSNP rs2544772874, ClinGen allele CA2580092628.
Genomic context (GRCh38, chr17:11,854,355, plus strand): 5'-CCTGGGTCATCAATATTGTGAGATTTTATGAGGTGTTCTGTGATGTGGAACCCAAGCGCC[A>AG]GGCACTGAACAAAGCCACCGCGGACCTCACAGCTGCCCAGGAGAAGCTGGCTGCCATCAA-3'

ClinVar aggregate classification (germline): Pathogenic (1 of 4 stars; one submission).

Submission:

Labcorp Genetics (formerly Invitae), Labcorp
Classification: Pathogenic. Last evaluated: 2022-10-07. Review status: criteria provided, single submitter. Criteria: Invitae Variant Classification Sherloc (09022015). Collection method: clinical testing. Allele origin: germline.
Comment: For these reasons, this variant has been classified as Pathogenic. This sequence change creates a premature translational stop signal (p.Ala3288Glyfs*27) in the DNAH9 gene. It is expected to result in an absent or disrupted protein product. Loss-of-function variants in DNAH9 are known to be pathogenic (PMID: 30471718). This variant is not present in population databases (gnomAD no frequency). This variant has not been reported in the literature in individuals affected with DNAH9-related conditions.

Literature cited by the submitters: PubMed 30471718.